The following is an entry in ClinVar:

NM_015089.4(CUL9):c.5189G>A (p.Arg1730His)

Gene: CUL9 (cullin 9; plus strand). Cytogenetic location: 6p21.1.
Variant type: single nucleotide variant.
Coding change: c.5189G>A on transcript NM_015089.4 (MANE Select); coding-DNA position 5189, G replaced by A.
Protein change: p.Arg1730His; replaces arginine 1730 with histidine.
Molecular consequence: missense variant.
Genome position (GRCh38, 1-based): chr6:43,206,487, G>A. VCF-style: chr6-43206487-G-A. GRCh37 (hg19) VCF-style: chr6-43174225-G-A.
Other names: short protein forms R1730H.
Identifiers: ClinVar variation 3053318 (VCV003053318.2), dbSNP rs200983698, ClinGen allele CA3818317.
Genomic context (GRCh38, chr6:43,206,487, plus strand): 5'-TCTGCTACCTGTACCATCCCAGAAAGTGCCTTCCCACAGAATTCTGTGATGCCCTTGACC[G>A]TTTCTCCAGTTTCTACAGCCAGAGTGAGGAACTAGGGAGAGGAAATTGGAGATCGGGGTG-3'
Protein context (NP_055904.1, residues 1720-1740): LPTEFCDALD[Arg1730His]FSSFYSQSQN

ClinVar aggregate classification (germline): Likely benign (0 of 4 stars; one submission).

Conditions:
CUL9-related disorder. Also called: CUL9-related condition.

Allele frequency attached by ClinVar (database versions not stated): ESP Exome Variant Server 0.00015; 1000 Genomes Project 30x 0.00016; 1000 Genomes Project 0.00020; TOPMed 0.00057; gnomAD 0.00058; ExAC 0.00066; gnomAD exomes 0.00076.
gnomAD v4.1: 1,176 of 1,614,106 alleles (0.073%); highest among the groups gnomAD compares: Non-Finnish European, 0.086%; no homozygotes.

Submission:

PreventionGenetics, part of Exact Sciences
Classification: Likely benign for CUL9-related condition. Last evaluated: 2022-03-09. Review status: no assertion criteria provided. Collection method: clinical testing. Allele origin: germline.
Comment: This variant is classified as likely benign based on ACMG/AMP sequence variant interpretation guidelines (Richards et al. 2015 PMID: 25741868, with internal and published modifications).